The following is an entry in ClinVar:

ClinVar aggregate classification (germline): Uncertain significance (1 of 4 stars; one submission).

Submission:

Labcorp Genetics (formerly Invitae), Labcorp
Classification: Uncertain significance. Last evaluated: 2020-12-26. Review status: criteria provided, single submitter. Criteria: Invitae Variant Classification Sherloc (09022015). Collection method: clinical testing. Allele origin: germline.
Comment: In summary, the available evidence is currently insufficient to determine the role of this variant in disease. Therefore, it has been classified as a Variant of Uncertain Significance. This sequence change replaces tryptophan with glutamine at codon 65 of the GHRHR protein (p.Trp65Gln). The tryptophan residue is highly conserved and there is a moderate physicochemical difference between tryptophan and glutamine. The frequency data for this variant in the population databases is not available, as this variant may be reported as separate entries in the ExAC database. This variant has not been reported in the literature in individuals with GHRHR-related conditions. Algorithms developed to predict the effect of missense changes on protein structure and function are either unavailable or do not agree on the potential impact of this missense change (SIFT: "Not Available"; PolyPhen-2: "Probably Damaging"; Align-GVGD: "Not Available").

NM_000823.4(GHRHR):c.193_194inv (p.Trp65Gln)

Gene: GHRHR (growth hormone releasing hormone receptor; plus strand). Cytogenetic location: 7p14.3.
Variant type: Inversion.
Coding change: c.193_194inv on transcript NM_000823.4 (MANE Select).
Protein change: p.Trp65Gln; replaces tryptophan 65 with glutamine.
Molecular consequence: missense variant.
Genome position: GRCh38 VCF-style: chr7-30969095-TG-CA. GRCh37 (hg19) VCF-style: chr7-31008710-TG-CA.
Other names: short protein forms W65Q.
Identifiers: ClinVar variation 1374345 (VCV001374345.4), ClinGen allele CA2573142125.